The following is an entry in ClinVar:

ClinVar aggregate classification (germline): Uncertain significance. Review status: criteria provided, multiple submitters, no conflicts (2 of 4 stars). 2 submissions from 2 submitters: Uncertain significance (2). Last evaluated 2023-12-05.

Conditions:
Hereditary cancer-predisposing syndrome. Also called: Neoplastic Syndromes, Hereditary; Tumor predisposition; Hereditary Cancer Syndrome; Hereditary neoplastic syndrome. Identifiers: Orphanet 140162, MedGen C0027672, MeSH D009386, MONDO:0015356.

Allele frequency attached by ClinVar (database versions not stated): gnomAD exomes below 0.00001; ExAC 0.00001.
gnomAD v4.1: 4 of 1,613,812 alleles (0.00025%); highest among the groups gnomAD compares: South Asian, 0.0044%; no homozygotes.

Submissions (2):

Labcorp Genetics (formerly Invitae), Labcorp
Classification: Uncertain significance for Hereditary cancer-predisposing syndrome. Last evaluated: 2023-12-05. Review status: criteria provided, single submitter. Criteria: Invitae Variant Classification Sherloc (09022015). Collection method: clinical testing. Allele origin: germline.
Comment: This sequence change replaces glutamine, which is neutral and polar, with glutamic acid, which is acidic and polar, at codon 695 of the RAD50 protein (p.Gln695Glu). This variant is present in population databases (rs777678214, gnomAD 0.003%). This variant has not been reported in the literature in individuals affected with RAD50-related conditions. ClinVar contains an entry for this variant (Variation ID: 820679). Advanced modeling of protein sequence and biophysical properties (such as structural, functional, and spatial information, amino acid conservation, physicochemical variation, residue mobility, and thermodynamic stability) performed at Invitae indicates that this missense variant is not expected to disrupt RAD50 protein function with a negative predictive value of 80%. In summary, the available evidence is currently insufficient to determine the role of this variant in disease. Therefore, it has been classified as a Variant of Uncertain Significance.

Ambry Genetics
Classification: Uncertain significance for Hereditary cancer-predisposing syndrome. Last evaluated: 2023-02-12. Review status: criteria provided, single submitter. Criteria: Ambry Variant Classification Scheme 2023. Collection method: clinical testing. Allele origin: germline.
Comment: The p.Q695E variant (also known as c.2083C>G), located in coding exon 13 of the RAD50 gene, results from a C to G substitution at nucleotide position 2083. The glutamine at codon 695 is replaced by glutamic acid, an amino acid with highly similar properties. This amino acid position is well conserved in available vertebrate species. In addition, this alteration is predicted to be tolerated by in silico analysis. Since supporting evidence is limited at this time, the clinical significance of this alteration remains unclear.

NM_005732.4(RAD50):c.2083C>G (p.Gln695Glu)

Gene: RAD50 (RAD50 double strand break repair protein; plus strand). Cytogenetic location: 5q31.1.
Variant type: single nucleotide variant.
Coding change: c.2083C>G on transcript NM_005732.4 (MANE Select); coding-DNA position 2083, C replaced by G.
Protein change: p.Gln695Glu; replaces glutamine 695 with glutamic acid.
Molecular consequence: missense variant.
Genome position (GRCh38, 1-based): chr5:132,595,686, C>G. VCF-style: chr5-132595686-C-G. GRCh37 (hg19) VCF-style: chr5-131931378-C-G.
Other names: short protein forms Q695E.
Identifiers: ClinVar variation 820679 (VCV000820679.12), dbSNP rs777678214, ClinGen allele CA3405326.